The following is an entry in ClinVar:

NM_001376.5(DYNC1H1):c.2327C>T (p.Pro776Leu)

Gene: DYNC1H1 (dynein cytoplasmic 1 heavy chain 1; plus strand). Cytogenetic location: 14q32.31.
Variant type: single nucleotide variant.
Coding change: c.2327C>T on transcript NM_001376.5 (MANE Select); coding-DNA position 2327, C replaced by T.
Protein change: p.Pro776Leu; replaces proline 776 with leucine.
Molecular consequence: missense variant.
Genome position (GRCh38, 1-based): chr14:101,986,552, C>T. VCF-style: chr14-101986552-C-T. GRCh37 (hg19) VCF-style: chr14-102452889-C-T.
Other names: short protein forms P776L.
Identifiers: ClinVar variation 372934 (VCV000372934.67), dbSNP rs1057518083, ClinGen allele CA16042831.

ClinVar aggregate classification (germline): Pathogenic/Likely pathogenic. Review status: criteria provided, multiple submitters, no conflicts (2 of 4 stars). 11 submissions from 11 submitters: Pathogenic (9); Likely pathogenic (1). 1 of the submissions does not count toward it. Last evaluated 2026-08-01.

Conditions:
Autosomal dominant childhood-onset proximal spinal muscular atrophy without contractures. Also called: Spinal muscular atrophy, lower extremity-predominant 1, AD; SPINAL MUSCULAR ATROPHY, CHILDHOOD, PROXIMAL, AUTOSOMAL DOMINANT; KUGELBERG-WELANDER SYNDROME, AUTOSOMAL DOMINANT; SPINAL MUSCULAR ATROPHY, JUVENILE, PROXIMAL, AUTOSOMAL DOMINANT. Identifiers: Orphanet 209341, Orphanet 363447, MedGen C5780022, MONDO:0008026, OMIM 158600.
DYNC1H1-related disorder. Also called: DYNC1H1-related condition; DYNC1H1-related disorders. Identifiers: MedGen CN381529.
Cortical dysplasia, complex, with other brain malformations 13. Also called: Intellectual disability, autosomal dominant 13. Identifiers: MedGen C3281202, MONDO:0013805, OMIM 614563.
Charcot-Marie-Tooth disease axonal type 2O. Also called: Charcot-Marie-Tooth Neuropathy Type 2O; Charcot-Marie-Tooth disease, axonal, type 20; CHARCOT-MARIE-TOOTH NEUROPATHY, AXONAL, TYPE 2O; CHARCOT-MARIE-TOOTH DISEASE, AXONAL, AUTOSOMAL DOMINANT, TYPE 2O. Identifiers: Orphanet 284232, MedGen C3280220, MONDO:0013644, OMIM 614228.

Submissions (11):

CeGaT Center for Human Genetics Tuebingen
Classification: Pathogenic. Last evaluated: 2026-08-01. Review status: criteria provided, single submitter. Criteria: CeGaT Center For Human Genetics Tuebingen Variant Classification Criteria Version 2. Collection method: clinical testing. Allele origin: germline. Affected: yes. Observed: 2 variant alleles.
Comment: DYNC1H1: PS2:Very Strong, PM2, PS4:Moderate, PP2

Labcorp Genetics (formerly Invitae), Labcorp
Classification: Pathogenic for Charcot-Marie-Tooth disease axonal type 2O. Last evaluated: 2025-05-22. Review status: criteria provided, single submitter. Criteria: Invitae Variant Classification Sherloc (09022015). Collection method: clinical testing. Allele origin: germline.
Comment: This sequence change replaces proline, which is neutral and non-polar, with leucine, which is neutral and non-polar, at codon 776 of the DYNC1H1 protein (p.Pro776Leu). This variant is not present in population databases (gnomAD no frequency). This missense change has been observed in individual(s) with lower extremity predominant spinal muscular atrophy (PMID: 26846447, 28554554). In at least one individual the variant was observed to be de novo. ClinVar contains an entry for this variant (Variation ID: 372934). Invitae Evidence Modeling of protein sequence and biophysical properties (such as structural, functional, and spatial information, amino acid conservation, physicochemical variation, residue mobility, and thermodynamic stability) indicates that this missense variant is expected to disrupt DYNC1H1 protein function with a positive predictive value of 95%. For these reasons, this variant has been classified as Pathogenic.

3billion
Classification: Pathogenic for Autosomal dominant childhood-onset proximal spinal muscular atrophy without contractures. Last evaluated: 2023-02-23. Review status: criteria provided, single submitter. Criteria: ACMG Guidelines, 2015. Collection method: clinical testing. Allele origin: unknown. Affected: yes.
Comment: The variant is not observed in the gnomAD v2.1.1 dataset. Missense changes are a common disease-causing mechanism. Same nucleotide change resulting in same amino acid change has been previously reported as pathogenic/likely pathogenic with strong evidence (ClinVar ID: VCV000372934). The variant has been previously reported as de novo in a similarly affected individual (PMID: 26846447). Therefore, this variant is classified as Pathogenic according to the recommendation of ACMG/AMP guideline.

Revvity Omics, Revvity
Classification: Pathogenic. Last evaluated: 2022-11-28. Review status: criteria provided, single submitter. Criteria: ACMG Guidelines, 2015. Collection method: clinical testing. Allele origin: germline.

GeneDx
Classification: Pathogenic. Last evaluated: 2022-07-28. Review status: criteria provided, single submitter. Criteria: GeneDx Variant Classification Process June 2021. Collection method: clinical testing. Allele origin: germline. Affected: yes.
Comment: Not observed at significant frequency in large population cohorts (gnomAD); In silico analysis supports that this missense variant has a deleterious effect on protein structure/function; This variant is associated with the following publications: (PMID: 31607746, 26846447, 28554554, 32703465, 26100331, 25609763, 25512093, 35899263, 33060286)

Greenwood Genetic Center Diagnostic Laboratories, Greenwood Genetic Center
Classification: Pathogenic for Autosomal dominant childhood-onset proximal spinal muscular atrophy without contractures. Last evaluated: 2021-06-24. Review status: criteria provided, single submitter. Criteria: ACMG Guidelines, 2015. Collection method: clinical testing. Allele origin: germline. Affected: yes.
Comment: PS2, PP2, PP3, PM1, PM2, PS4_Moderate

Institute of Medical Genetics and Applied Genomics, University Hospital Tübingen
Classification: Pathogenic. Last evaluated: 2020-10-23. Review status: criteria provided, single submitter. Criteria: ACMG Guidelines, 2015. Collection method: clinical testing. Allele origin: germline. Inheritance: Autosomal dominant inheritance. Affected: yes.

Blueprint Genetics
Classification: Likely pathogenic for DYNC1H1-related disorders. Last evaluated: 2019-05-06. Review status: criteria provided, single submitter. Criteria: ACMG Guidelines, 2015. Collection method: clinical testing. Allele origin: germline. Affected: yes. Observed: 1 variant allele.

Undiagnosed Diseases Network, NIH
Classification: Pathogenic for Autosomal dominant childhood-onset proximal spinal muscular atrophy without contractures. Last evaluated: 2018-03-16. Review status: criteria provided, single submitter. Criteria: ACMG Guidelines, 2015. Collection method: clinical testing. Allele origin: paternal. Inheritance: Autosomal dominant inheritance. Affected: yes. Observed: 4 variant alleles, 3 heterozygotes, 1 mosaic individual. Clinical features observed: Waddling gait (HP:0002515), Tibialis atrophy (HP:0011399), Skeletal muscle atrophy (HP:0003202), Shuffling gait (HP:0002362), Progressive distal muscle weakness (HP:0009063), Neurodevelopmental abnormality (HP:0012759), Lower limb muscle weakness (HP:0007340), Knee flexion contracture (HP:0006380), Joint hypermobility (HP:0001382), Hyperlordosis (HP:0003307), EMG: neuropathic changes (HP:0003445), Distal lower limb muscle weakness (HP:0009053), and 9 more.
Comment: The c.2327C>T variant in the DYNC1H1 gene has been reported previously (PMCID:4742772).

Juno Genomics, Hangzhou Juno Genomics, Inc
Classification: Pathogenic for Charcot-Marie-Tooth disease axonal type 2O; Cortical dysplasia, complex, with other brain malformations 13; Autosomal dominant childhood-onset proximal spinal muscular atrophy without contractures. Review status: criteria provided, single submitter. Criteria: ACMG Guidelines, 2015. Collection method: clinical testing. Allele origin: germline. Affected: yes.
Comment: Absent from controls (or at extremely low frequency if recessive) in Genome Aggregation Database, Exome Sequencing Project, 1000 Genomes Project, or Exome Aggregation Consortium.;Patient's phenotype or family history is highly specific for a disease with a single genetic etiology.;Co-segregation with disease in multiple affected family members in a gene definitively known to cause the disease.;Assumed de novo, but without confirmation of paternity and maternity.;The prevalence of the variant in affected individuals is significantly increased compared to the prevalence in controls.

Département de Neurologie, Hospices Civils de Lyon
Classification: Likely pathogenic for Autosomal dominant childhood-onset proximal spinal muscular atrophy without contractures. Last evaluated: 2023-02-24. Review status: no assertion criteria provided. Collection method: clinical testing. Allele origin: unknown. Inheritance: Sporadic. Affected: yes. Not counted in ClinVar's aggregate classification.

Literature cited by the submitters: PubMed 26846447 (cited by Labcorp Genetics (formerly Invitae), Labcorp and 3billion); PubMed 28554554 (cited by Labcorp Genetics (formerly Invitae), Labcorp); PMC 4742772 (cited by Undiagnosed Diseases Network, NIH).